The following is an entry in ClinVar:

NM_000553.6(WRN):c.1150A>G (p.Lys384Glu)

Gene: WRN (WRN RecQ like helicase; plus strand). Cytogenetic location: 8p12.
Variant type: single nucleotide variant.
Coding change: c.1150A>G on transcript NM_000553.6 (MANE Select); coding-DNA position 1150, A replaced by G.
Protein change: p.Lys384Glu; replaces lysine 384 with glutamic acid.
Molecular consequence: missense variant.
Genome position (GRCh38, 1-based): chr8:31,081,177, A>G. VCF-style: chr8-31081177-A-G. GRCh37 (hg19) VCF-style: chr8-30938693-A-G.
Other names: c.1150A>G (NM_000553.4); short protein forms K384E.
Identifiers: ClinVar variation 1058506 (VCV001058506.4), dbSNP rs1563338919, ClinGen allele CA370920977.

ClinVar aggregate classification (germline): Uncertain significance. Review status: criteria provided, multiple submitters, no conflicts (2 of 4 stars). 3 submissions from 3 submitters: Uncertain significance (3). Last evaluated 2025-08-07.

Conditions:
Inborn genetic diseases. Identifiers: MedGen C0950123, MeSH D030342.
Werner syndrome (WRN). Identifiers: Orphanet 902, MedGen C0043119, MONDO:0010196, OMIM 277700.

Allele frequency attached by ClinVar (database versions not stated): gnomAD exomes below 0.00001 and 0.00001; TOPMed below 0.00001.
gnomAD v4.1: 3 of 1,614,108 alleles (0.00019%); highest among the groups gnomAD compares: Middle Eastern, 0.017%; no homozygotes.

Submissions (3):

Ambry Genetics
Classification: Uncertain significance for Inborn genetic diseases. Last evaluated: 2025-08-07. Review status: criteria provided, single submitter. Criteria: Ambry Variant Classification Scheme 2023. Collection method: clinical testing. Allele origin: germline.

Labcorp Genetics (formerly Invitae), Labcorp
Classification: Uncertain significance for Werner syndrome. Last evaluated: 2025-02-08. Review status: criteria provided, single submitter. Criteria: Invitae Variant Classification Sherloc (09022015). Collection method: clinical testing. Allele origin: germline.
Comment: This sequence change replaces lysine, which is basic and polar, with glutamic acid, which is acidic and polar, at codon 384 of the WRN protein (p.Lys384Glu). This variant is not present in population databases (gnomAD no frequency). This variant has not been reported in the literature in individuals affected with WRN-related conditions. ClinVar contains an entry for this variant (Variation ID: 1058506). An algorithm developed to predict the effect of missense changes on protein structure and function outputs the following: PolyPhen-2: "Benign". The glutamic acid amino acid residue is found in multiple mammalian species, which suggests that this missense change does not adversely affect protein function. In summary, the available evidence is currently insufficient to determine the role of this variant in disease. Therefore, it has been classified as a Variant of Uncertain Significance.

Fulgent Genetics
Classification: Uncertain significance for Werner syndrome. Last evaluated: 2024-05-29. Review status: criteria provided, single submitter. Criteria: ACMG Guidelines, 2015. Collection method: clinical testing. Allele origin: germline.